The following is an entry in ClinVar:

NM_000059.4(BRCA2):c.7154T>G (p.Val2385Gly)

Gene: BRCA2 (BRCA2 DNA repair associated; plus strand). Cytogenetic location: 13q13.1.
Variant type: single nucleotide variant.
Coding change: c.7154T>G on transcript NM_000059.4 (MANE Select); coding-DNA position 7154, T replaced by G.
Protein change: p.Val2385Gly; replaces valine 2385 with glycine.
Molecular consequence: missense variant.
Genome position (GRCh38, 1-based): chr13:32,355,007, T>G. VCF-style: chr13-32355007-T-G. GRCh37 (hg19) VCF-style: chr13-32929144-T-G.
Other names: short protein forms V2385G.
Identifiers: ClinVar variation 545616 (VCV000545616.7), dbSNP rs1555286021, ClinGen allele CA387739266.

ClinVar aggregate classification (germline): Uncertain significance. Review status: criteria provided, single submitter (1 of 4 stars). 2 submissions from 2 submitters: Uncertain significance (1). 1 of the submissions does not count toward it. Last evaluated 2024-07-28.

Conditions:
Hereditary breast ovarian cancer syndrome. Also called: Hereditary breast and ovarian cancer; Hereditary breast and/or ovarian cancer syndrome; Hereditary breast and ovarian cancer syndrome; Hereditary breast and ovarian cancer syndrome (HBOC); Breast and ovarian cancer; BRCA1- and BRCA2-Associated Hereditary Breast and Ovarian Cancer. Identifiers: Orphanet 145, MedGen C0677776, MeSH D061325, MONDO:0003582. Disease mechanism: loss of function.

Submissions (2):

Labcorp Genetics (formerly Invitae), Labcorp
Classification: Uncertain significance for Hereditary breast ovarian cancer syndrome. Last evaluated: 2024-07-28. Review status: criteria provided, single submitter. Criteria: Invitae Variant Classification Sherloc (09022015). Collection method: clinical testing. Allele origin: germline.
Comment: This sequence change replaces valine, which is neutral and non-polar, with glycine, which is neutral and non-polar, at codon 2385 of the BRCA2 protein (p.Val2385Gly). This variant is not present in population databases (gnomAD no frequency). This variant has not been reported in the literature in individuals affected with BRCA2-related conditions. ClinVar contains an entry for this variant (Variation ID: 545616). Advanced modeling of protein sequence and biophysical properties (such as structural, functional, and spatial information, amino acid conservation, physicochemical variation, residue mobility, and thermodynamic stability) performed at Invitae indicates that this missense variant is not expected to disrupt BRCA2 protein function with a negative predictive value of 95%. In summary, the available evidence is currently insufficient to determine the role of this variant in disease. Therefore, it has been classified as a Variant of Uncertain Significance.

Mayo Clinic Laboratories, Mayo Clinic
Classification: Uncertain significance. Last evaluated: 2017-05-01. Review status: no assertion criteria provided. Collection method: clinical testing. Allele origin: unknown. Not counted in ClinVar's aggregate classification.